The following is an entry in ClinVar:

ClinVar aggregate classification (germline): Uncertain significance (1 of 4 stars; one submission).

Submission:

GeneDx
Classification: Uncertain significance. Last evaluated: 2024-09-25. Review status: criteria provided, single submitter. Criteria: GeneDx Variant Classification Process June 2021. Collection method: clinical testing. Allele origin: germline. Affected: yes.
Comment: Frameshift variant predicted to result in protein truncation or nonsense mediated decay in a gene or region of a gene for which loss of function is not a well-established mechanism of disease; Has not been previously published as pathogenic or benign to our knowledge

NM_001367479.1(DNAH14):c.2094_2097del (p.Thr699fs)

Gene: DNAH14 (dynein axonemal heavy chain 14; plus strand). Cytogenetic location: 1q42.12.
Variant type: Deletion.
Coding change: c.2094_2097del on transcript NM_001367479.1 (MANE Select); coding-DNA positions 2094 to 2097, 4 bases deleted (GACT; older notation c.2094_2097delGACT).
Protein change: p.Thr699fs; shifts the reading frame from threonine 699.
Molecular consequence: frameshift variant.
Genome position (GRCh38, 1-based): chr1:225,051,465-225,051,468, GACT deleted; deleting any 4 consecutive bases within chr1:225,051,463-225,051,468 gives the same sequence; the c. name uses the placement nearest the transcript's 3' end. VCF-style (leftmost placement, unchanged base first): chr1-225051462-CCTGA-C. GRCh37 (hg19) VCF-style: chr1-225239164-CCTGA-C.
Other names: NM_001373.1:c.2094_2097del; short protein forms T699fs.
Identifiers: ClinVar variation 3774608 (VCV003774608.1).